The following is an entry in ClinVar:

ClinVar aggregate classification (germline): Likely benign (0 of 4 stars; one submission).

Conditions:
WDPCP-related disorder. Also called: WDPCP-related condition.

gnomAD v4.1: 2 of 1,614,116 alleles (0.00012%); highest among the groups gnomAD compares: Middle Eastern, 0.033%; no homozygotes.

Submission:

PreventionGenetics, part of Exact Sciences
Classification: Likely benign for WDPCP-related condition. Last evaluated: 2024-08-21. Review status: no assertion criteria provided. Collection method: clinical testing. Allele origin: germline.
Comment: This variant is classified as likely benign based on ACMG/AMP sequence variant interpretation guidelines (Richards et al. 2015 PMID: 25741868, with internal and published modifications).

NM_015910.7(WDPCP):c.859C>T (p.Leu287=)

Gene: WDPCP (WD repeat containing planar cell polarity effector; minus strand). Cytogenetic location: 2p15.
Variant type: single nucleotide variant.
Coding change: c.859C>T on transcript NM_015910.7 (MANE Select); coding-DNA position 859, C replaced by T.
Protein change: p.Leu287=; no amino-acid change (leucine 287 retained).
Molecular consequence: synonymous variant. On other transcripts: non-coding transcript variant (3).
Genome position (GRCh38, 1-based): chr2:63,404,624, G>A on the plus strand (C>T on the coding strand, the complement: WDPCP is on the minus strand). VCF-style: chr2-63404624-G-A. GRCh37 (hg19) VCF-style: chr2-63631759-G-A.
Other names: c.382C>T, p.Leu128= (NM_001042692.3); c.787C>T, p.Leu263= (NM_001354044.2); c.859C>T, p.Leu287= (NM_001354045.2).
Identifiers: ClinVar variation 3354935 (VCV003354935.1).